The following is an entry in ClinVar:

NM_014709.4(USP34):c.7114A>G (p.Met2372Val)

Gene: USP34 (ubiquitin specific peptidase 34; minus strand). Cytogenetic location: 2p15.
Variant type: single nucleotide variant.
Coding change: c.7114A>G on transcript NM_014709.4 (MANE Select); coding-DNA position 7114, A replaced by G.
Protein change: p.Met2372Val; replaces methionine 2372 with valine.
Molecular consequence: missense variant.
Genome position (GRCh38, 1-based): chr2:61,229,633, T>C on the plus strand (A>G on the coding strand, the complement: USP34 is on the minus strand). VCF-style: chr2-61229633-T-C. GRCh37 (hg19) VCF-style: chr2-61456768-T-C.
Other names: short protein forms M2372V.
Identifiers: ClinVar variation 4891467 (VCV004891467.1).
Genomic context (GRCh38, chr2:61,229,633, plus strand): 5'-AGAGATGAGCATGCACAGGTCTCAGCCTCTGAATCACATGGATACACAAACGCTGAAACA[T>C]CTGTGAAGAAAGAAAAAGATCAAACAAGAGCCAACTCATCAGGTAACAAAGATTTGAAAA-3'
Protein context (NP_055524.3, residues 2362-2382): IKCPNQIVRQ[Met2372Val]FQRLCIHVIQ

ClinVar aggregate classification (germline): Uncertain significance (1 of 4 stars; one submission).

Submission:

GeneDx
Classification: Uncertain significance. Last evaluated: 2024-03-23. Review status: criteria provided, single submitter. Criteria: GeneDx Variant Classification Process June 2021. Collection method: clinical testing. Allele origin: germline.
Comment: Not observed at significant frequency in large population cohorts (gnomAD); In silico analysis supports that this missense variant has a deleterious effect on protein structure/function; Has not been previously published as pathogenic or benign to our knowledge; Variants in candidate genes are classified as variants of uncertain significance in accordance with ACMG guidelines (PMID: 25741868)